The following is an entry in ClinVar:

ClinVar aggregate classification (germline): Uncertain significance (1 of 4 stars; one submission).

Submission:

CeGaT Center for Human Genetics Tuebingen
Classification: Uncertain significance. Last evaluated: 2026-05-01. Review status: criteria provided, single submitter. Criteria: CeGaT Center For Human Genetics Tuebingen Variant Classification Criteria Version 2. Collection method: clinical testing. Allele origin: germline. Affected: yes. Observed: 1 variant allele.
Comment: DYNC1H1: PM2

NM_001376.5(DYNC1H1):c.2933G>A (p.Cys978Tyr)

Genes: DYNC1H1 (dynein cytoplasmic 1 heavy chain 1; plus strand), LOC130056502 (ATAC-STARR-seq lymphoblastoid active region 9063; plus strand). Cytogenetic location: 14q32.31.
Variant type: single nucleotide variant.
Coding change: c.2933G>A on transcript NM_001376.5 (MANE Select); coding-DNA position 2933, G replaced by A.
Protein change: p.Cys978Tyr; replaces cysteine 978 with tyrosine.
Molecular consequence: missense variant.
Genome position (GRCh38, 1-based): chr14:101,991,591, G>A. VCF-style: chr14-101991591-G-A. GRCh37 (hg19) VCF-style: chr14-102457928-G-A.
Other names: short protein forms C978Y.
Identifiers: ClinVar variation 4874830 (VCV004874830.2).